The following is an entry in ClinVar:

ClinVar aggregate classification (germline): Uncertain significance (1 of 4 stars; one submission).

Allele frequency attached by ClinVar (database versions not stated): gnomAD exomes below 0.00001.
gnomAD v4.1: 1 of 1,613,650 alleles (0.000062%); highest among the groups gnomAD compares: Non-Finnish European, 0.000085%; no homozygotes.

Submission:

Labcorp Genetics (formerly Invitae), Labcorp
Classification: Uncertain significance. Last evaluated: 2023-10-14. Review status: criteria provided, single submitter. Criteria: Invitae Variant Classification Sherloc (09022015). Collection method: clinical testing. Allele origin: germline.
Comment: This sequence change replaces histidine, which is basic and polar, with tyrosine, which is neutral and polar, at codon 4058 of the RNF213 protein (p.His4058Tyr). This variant is not present in population databases (gnomAD no frequency). This missense change has been observed in individual(s) with autosomal dominant Moyamoya disease (Invitae). An algorithm developed to predict the effect of missense changes on protein structure and function (PolyPhen-2) suggests that this variant is likely to be disruptive. This variant disrupts the p.His4058 amino acid residue in RNF213. Other variant(s) that disrupt this residue have been observed in individuals with RNF213-related conditions (PMID: 29387438, 34624841), which suggests that this may be a clinically significant amino acid residue. In summary, the available evidence is currently insufficient to determine the role of this variant in disease. Therefore, it has been classified as a Variant of Uncertain Significance.

Literature cited by the submitters: PubMed 29387438; PubMed 34624841.

NM_001256071.3(RNF213):c.12172C>T (p.His4058Tyr)

Genes: RNF213 (ring finger protein 213; plus strand), RNF213-AS1 (RNF213 antisense RNA 1; minus strand). Cytogenetic location: 17q25.3.
Variant type: single nucleotide variant.
Coding change: c.12172C>T on transcript NM_001256071.3 (MANE Select); coding-DNA position 12172, C replaced by T.
Protein change: p.His4058Tyr; replaces histidine 4058 with tyrosine.
Molecular consequence: missense variant.
Genome position (GRCh38, 1-based): chr17:80,369,518, C>T. VCF-style: chr17-80369518-C-T. GRCh37 (hg19) VCF-style: chr17-78343318-C-T.
Other names: c.12319C>T, p.His4107Tyr (NM_001410195.1, NM_020914.5); short protein forms H4107Y, H4058Y.
Identifiers: ClinVar variation 2859374 (VCV002859374.3), dbSNP rs2511489137, ClinGen allele CA401409397.